The following is an entry in ClinVar:

NM_004525.3(LRP2):c.11347G>A (p.Asp3783Asn)

Gene: LRP2 (LDL receptor related protein 2; minus strand). Cytogenetic location: 2q31.1.
Variant type: single nucleotide variant.
Coding change: c.11347G>A on transcript NM_004525.3 (MANE Select); coding-DNA position 11347, G replaced by A.
Protein change: p.Asp3783Asn; replaces aspartic acid 3783 with asparagine.
Molecular consequence: missense variant.
Genome position (GRCh38, 1-based): chr2:169,170,584, C>T on the plus strand (G>A on the coding strand, the complement: LRP2 is on the minus strand). VCF-style: chr2-169170584-C-T. GRCh37 (hg19) VCF-style: chr2-170027094-C-T.
Other names: c.11347G>A (NM_004525.2); short protein forms D3783N.
Identifiers: ClinVar variation 1464061 (VCV001464061.7), dbSNP rs764689804, ClinGen allele CA1953103.
Genomic context (GRCh38, chr2:169,170,584, plus strand): 5'-ATGGTAAGCTTCTCAAATGACAGTTACCACAGTCCCGTTCATCTGAGTTGTCCCCACAGT[C>T]GTTGTAATGGTCACAGATCCATCGCGAGGGAATGCACTGCTGATTGACACATCGAAACTC-3'
Protein context (NP_004516.2, residues 3773-3793): PSRWICDHYN[Asp3783Asn]CGDNSDERDC

ClinVar aggregate classification (germline): Uncertain significance. Review status: criteria provided, multiple submitters, no conflicts (2 of 4 stars). 2 submissions from 2 submitters: Uncertain significance (2). Last evaluated 2025-04-14.

Conditions:
Inborn genetic diseases. Identifiers: MedGen C0950123, MeSH D030342.

Allele frequency attached by ClinVar (database versions not stated): ExAC 0.00001; gnomAD exomes below 0.00001.
gnomAD v4.1: 6 of 1,614,102 alleles (0.00037%); highest among the groups gnomAD compares: Admixed American, 0.0017%; no homozygotes.

Submissions (2):

Labcorp Genetics (formerly Invitae), Labcorp
Classification: Uncertain significance. Last evaluated: 2025-04-14. Review status: criteria provided, single submitter. Criteria: Invitae Variant Classification Sherloc (09022015). Collection method: clinical testing. Allele origin: germline.
Comment: This sequence change replaces aspartic acid, which is acidic and polar, with asparagine, which is neutral and polar, at codon 3783 of the LRP2 protein (p.Asp3783Asn). This variant is present in population databases (rs764689804, gnomAD 0.003%). This variant has not been reported in the literature in individuals affected with LRP2-related conditions. ClinVar contains an entry for this variant (Variation ID: 1464061). Invitae Evidence Modeling of protein sequence and biophysical properties (such as structural, functional, and spatial information, amino acid conservation, physicochemical variation, residue mobility, and thermodynamic stability) indicates that this missense variant is expected to disrupt LRP2 protein function with a positive predictive value of 95%. In summary, the available evidence is currently insufficient to determine the role of this variant in disease. Therefore, it has been classified as a Variant of Uncertain Significance.

Ambry Genetics
Classification: Uncertain significance for Inborn genetic diseases. Last evaluated: 2022-07-08. Review status: criteria provided, single submitter. Criteria: Ambry Variant Classification Scheme 2023. Collection method: clinical testing. Allele origin: germline.